The following is an entry in ClinVar:

ClinVar aggregate classification (germline): Uncertain significance. Review status: criteria provided, single submitter (1 of 4 stars). 2 submissions from 2 submitters: Uncertain significance (1). 1 of the submissions does not count toward it. Last evaluated 2024-03-01.

Conditions:
Autosomal dominant Robinow syndrome 1. Also called: ACRAL DYSOSTOSIS WITH FACIAL AND GENITAL ABNORMALITIES; FETAL FACE SYNDROME; Covesdem syndrome (formerly); Costovertebral segmentation defect with mesomelia (formerly); WNT5A-Related Robinow Syndrome, Autosomal Dominant; ROBINOW DWARFISM. Identifiers: Orphanet 3107, Orphanet 97360, MedGen C4551475, MONDO:0024455, OMIM 180700.
WNT5A-related disorder. Also called: WNT5A-related condition.

Submissions (2):

Fulgent Genetics
Classification: Uncertain significance for Autosomal dominant Robinow syndrome 1. Last evaluated: 2024-03-01. Review status: criteria provided, single submitter. Criteria: ACMG Guidelines, 2015. Collection method: clinical testing. Allele origin: germline.

PreventionGenetics, part of Exact Sciences
Classification: Uncertain significance for WNT5A-related condition. Last evaluated: 2024-02-02. Review status: no assertion criteria provided. Collection method: clinical testing. Allele origin: germline. Not counted in ClinVar's aggregate classification.
Comment: The WNT5A c.625G>A variant is predicted to result in the amino acid substitution p.Gly209Ser. To our knowledge, this variant has not been reported in the literature or in a large population database, indicating this variant is rare. At this time, the clinical significance of this variant is uncertain due to the absence of conclusive functional and genetic evidence.

NM_003392.7(WNT5A):c.625G>A (p.Gly209Ser)

Gene: WNT5A (Wnt family member 5A; minus strand). Cytogenetic location: 3p14.3.
Variant type: single nucleotide variant.
Coding change: c.625G>A on transcript NM_003392.7 (MANE Select); coding-DNA position 625, G replaced by A.
Protein change: p.Gly209Ser; replaces glycine 209 with serine.
Molecular consequence: missense variant.
Genome position (GRCh38, 1-based): chr3:55,474,396, C>T on the plus strand (G>A on the coding strand, the complement: WNT5A is on the minus strand). VCF-style: chr3-55474396-C-T. GRCh37 (hg19) VCF-style: chr3-55508424-C-T.
Other names: c.580G>A, p.Gly194Ser (NM_001256105.1, NM_001377271.1, NM_001377272.1); short protein forms G194S, G209S.
Identifiers: ClinVar variation 3061040 (VCV003061040.3), dbSNP rs2471282057, ClinGen allele CA353274668.